The following is an entry in ClinVar:

NM_007259.5(VPS45):c.116A>G (p.Tyr39Cys)

Gene: VPS45 (vacuolar protein sorting 45 homolog; plus strand). Cytogenetic location: 1q21.2.
Variant type: single nucleotide variant.
Coding change: c.116A>G on transcript NM_007259.5 (MANE Select); coding-DNA position 116, A replaced by G.
Protein change: p.Tyr39Cys; replaces tyrosine 39 with cysteine.
Molecular consequence: missense variant. On other transcripts: non-coding transcript variant (1).
Genome position (GRCh38, 1-based): chr1:150,068,652, A>G. VCF-style: chr1-150068652-A-G. GRCh37 (hg19) VCF-style: chr1-150040709-A-G.
Other names: c.8A>G, p.Tyr3Cys (NM_001279353.2, NM_001279354.2); short protein forms Y3C, Y39C.
Identifiers: ClinVar variation 1899485 (VCV001899485.5), dbSNP rs1553796329, ClinGen allele CA342258491.

ClinVar aggregate classification (germline): Uncertain significance (1 of 4 stars; one submission).

Conditions:
Congenital neutropenia-myelofibrosis-nephromegaly syndrome. Also called: Severe congenital neutropenia 5, autosomal recessive. Identifiers: Orphanet 369852, MedGen C3809031, MONDO:0014118, OMIM 615285.

Allele frequency attached by ClinVar (database versions not stated): gnomAD 0.00001; gnomAD exomes 0.00001.
gnomAD v4.1: 5 of 1,609,510 alleles (0.00031%); highest among the groups gnomAD compares: Non-Finnish European, 0.00042%; no homozygotes.

Submission:

Labcorp Genetics (formerly Invitae), Labcorp
Classification: Uncertain significance for Congenital neutropenia-myelofibrosis-nephromegaly syndrome. Last evaluated: 2022-05-24. Review status: criteria provided, single submitter. Criteria: Invitae Variant Classification Sherloc (09022015). Collection method: clinical testing. Allele origin: germline.
Comment: In summary, the available evidence is currently insufficient to determine the role of this variant in disease. Therefore, it has been classified as a Variant of Uncertain Significance. Algorithms developed to predict the effect of missense changes on protein structure and function are either unavailable or do not agree on the potential impact of this missense change (SIFT: "Tolerated"; PolyPhen-2: "Possibly Damaging"; Align-GVGD: "Class C25"). This variant has not been reported in the literature in individuals affected with VPS45-related conditions. This variant is present in population databases (no rsID available, gnomAD 0.007%). This sequence change replaces tyrosine, which is neutral and polar, with cysteine, which is neutral and slightly polar, at codon 39 of the VPS45 protein (p.Tyr39Cys).